The following is an entry in ClinVar:

NM_016151.4(TAOK2):c.2422A>G (p.Thr808Ala)

Gene: TAOK2 (TAO kinase 2; plus strand). Cytogenetic location: 16p11.2.
Variant type: single nucleotide variant.
Coding change: c.2422A>G on transcript NM_016151.4 (MANE Select); coding-DNA position 2422, A replaced by G.
Protein change: p.Thr808Ala; replaces threonine 808 with alanine.
Molecular consequence: missense variant. On other transcripts: intron variant (2).
Genome position (GRCh38, 1-based): chr16:29,986,694, A>G. VCF-style: chr16-29986694-A-G. GRCh37 (hg19) VCF-style: chr16-29998015-A-G.
Other names: c.2232+190A>G (NM_004783.4); c.2233-150A>G (NM_001252043.2); c.2422A>G (NM_016151.2); short protein forms T808A.
Identifiers: ClinVar variation 1351507 (VCV001351507.9), dbSNP rs765912677, ClinGen allele CA395491346.
Genomic context (GRCh38, chr16:29,986,694, plus strand): 5'-ATGCTTGGCGAGGAGGAGGAAGCAGTTGGAGAGAGAAGGATTCTGGGAAAGGAAGGGGCC[A>G]CTTTGGAGCCCAAGCAGCAGAGGATTCTGGGGGAAGAATCAGGAGCCCCTAGTCCCAGTC-3'
Protein context (NP_057235.2, residues 798-818): ERRILGKEGA[Thr808Ala]LEPKQQRILG

ClinVar aggregate classification (germline): Conflicting classifications of pathogenicity. Review status: criteria provided, conflicting classifications (1 of 4 stars). 2 submissions from 2 submitters: Uncertain significance (1); Likely benign (1). Last evaluated 2025-02-07.

Allele frequency attached by ClinVar (database versions not stated): gnomAD 0.00002; TOPMed 0.00004.
gnomAD v4.1: 16 of 1,613,698 alleles (0.00099%); highest among the groups gnomAD compares: Admixed American, 0.0033%; no homozygotes.

Submissions (2):

Ambry Genetics
Classification: Likely benign. Last evaluated: 2025-02-07. Review status: criteria provided, single submitter. Criteria: Ambry Variant Classification Scheme 2023. Collection method: clinical testing. Allele origin: germline.

Labcorp Genetics (formerly Invitae), Labcorp
Classification: Uncertain significance. Last evaluated: 2024-10-07. Review status: criteria provided, single submitter. Criteria: Invitae Variant Classification Sherloc (09022015). Collection method: clinical testing. Allele origin: germline.
Comment: This sequence change replaces threonine, which is neutral and polar, with alanine, which is neutral and non-polar, at codon 808 of the TAOK2 protein (p.Thr808Ala). This variant is not present in population databases (gnomAD no frequency). This variant has not been reported in the literature in individuals affected with TAOK2-related conditions. ClinVar contains an entry for this variant (Variation ID: 1351507). An algorithm developed to predict the effect of missense changes on protein structure and function outputs the following: PolyPhen-2: "Benign". The alanine amino acid residue is found in multiple mammalian species, which suggests that this missense change does not adversely affect protein function. In summary, the available evidence is currently insufficient to determine the role of this variant in disease. Therefore, it has been classified as a Variant of Uncertain Significance.